The following is an entry in ClinVar:

ClinVar aggregate classification (germline): Uncertain significance (1 of 4 stars; one submission).

Conditions:
Mitochondrial complex V (ATP synthase) deficiency, nuclear type 2. Also called: ENCEPHALOCARDIOMYOPATHY, MITOCHONDRIAL, NEONATAL, DUE TO ATP SYNTHASE DEFICIENCY; MITOCHONDRIAL COMPLEX V (ATP SYNTHASE) DEFICIENCY, TMEM70 TYPE; Nuclear-Encoded ATPase Deficiency, TMEM70-Related. Identifiers: Orphanet 1194, MedGen C3279699, MONDO:0013546, OMIM 614052.

Submission:

Labcorp Genetics (formerly Invitae), Labcorp
Classification: Uncertain significance for Mitochondrial complex V (ATP synthase) deficiency, nuclear type 2. Last evaluated: 2021-11-03. Review status: criteria provided, single submitter. Criteria: Invitae Variant Classification Sherloc (09022015). Collection method: clinical testing. Allele origin: germline.
Comment: In summary, the available evidence is currently insufficient to determine the role of this variant in disease. Therefore, it has been classified as a Variant of Uncertain Significance. This sequence change replaces proline, which is neutral and non-polar, with leucine, which is neutral and non-polar, at codon 123 of the TMEM70 protein (p.Pro123Leu). Information on the frequency of this variant in the gnomAD database is not available, as this variant may be reported differently in the database. This variant has not been reported in the literature in individuals affected with TMEM70-related conditions. Algorithms developed to predict the effect of missense changes on protein structure and function are either unavailable or do not agree on the potential impact of this missense change (SIFT: "Not Available"; PolyPhen-2: "Probably Damaging"; Align-GVGD: "Not Available").

NM_017866.6(TMEM70):c.368_369delinsTT (p.Pro123Leu)

Gene: TMEM70 (transmembrane protein 70; plus strand). Cytogenetic location: 8q21.11.
Variant type: Indel.
Coding change: c.368_369delinsTT on transcript NM_017866.6 (MANE Select); coding-DNA positions 368 to 369, CA replaced by TT.
Protein change: p.Pro123Leu; replaces proline 123 with leucine.
Molecular consequence: missense variant. On other transcripts: 3 prime UTR variant (1), non-coding transcript variant (1).
Genome position (GRCh38, 1-based): chr8:73,981,206-73,981,207, CA replaced by TT. VCF-style: chr8-73981206-CA-TT. GRCh37 (hg19) VCF-style: chr8-74893441-CA-TT.
Other names: c.*58_*59delinsTT (NM_001040613.3); short protein forms P123L.
Identifiers: ClinVar variation 1414668 (VCV001414668.6), dbSNP rs2131236578, ClinGen allele CA2573143292.